The following is an entry in ClinVar:

ClinVar aggregate classification (germline): Benign. Review status: criteria provided, multiple submitters, no conflicts (2 of 4 stars). 4 submissions from 4 submitters: Benign (3). 1 of the submissions does not count toward it. Last evaluated 2026-01-27.

Conditions:
RTTN-related disorder. Also called: RTTN-related condition.

Allele frequency attached by ClinVar (database versions not stated): gnomAD exomes 0.00077 and 0.00228; ExAC 0.00288; ESP Exome Variant Server 0.00928; gnomAD 0.00969 and 0.01040; 1000 Genomes Project 0.01038; TOPMed 0.01098; 1000 Genomes Project 30x 0.01140.
gnomAD v4.1: 2,612 of 1,549,070 alleles (0.17%); highest among the groups gnomAD compares: African/African-American, 3.3%; 41 homozygotes.

Submissions (4):

Labcorp Genetics (formerly Invitae), Labcorp
Classification: Benign. Last evaluated: 2026-01-27. Review status: criteria provided, single submitter. Criteria: Invitae Variant Classification Sherloc (09022015). Collection method: clinical testing. Allele origin: germline.

GeneDx
Classification: Benign. Last evaluated: 2016-10-06. Review status: criteria provided, single submitter. Criteria: GeneDx Variant Classification (06012015). Collection method: clinical testing. Allele origin: germline. Affected: yes.
Comment: This variant is considered likely benign or benign based on one or more of the following criteria: it is a conservative change, it occurs at a poorly conserved position in the protein, it is predicted to be benign by multiple in silico algorithms, and/or has population frequency not consistent with disease.

Breakthrough Genomics
Classification: Benign. Review status: criteria provided, single submitter. Criteria: ACMG Guidelines, 2015. Collection method: not provided. Allele origin: germline. Inheritance: Autosomal recessive inheritance. Affected: yes.

PreventionGenetics, part of Exact Sciences
Classification: Benign for RTTN-related condition. Last evaluated: 2019-12-26. Review status: no assertion criteria provided. Collection method: clinical testing. Allele origin: germline. Not counted in ClinVar's aggregate classification.
Comment: This variant is classified as benign based on ACMG/AMP sequence variant interpretation guidelines (Richards et al. 2015 PMID: 25741868, with internal and published modifications).

NM_173630.4(RTTN):c.2815A>G (p.Ser939Gly)

Gene: RTTN (rotatin; minus strand). Cytogenetic location: 18q22.2.
Variant type: single nucleotide variant.
Coding change: c.2815A>G on transcript NM_173630.4 (MANE Select); coding-DNA position 2815, A replaced by G.
Protein change: p.Ser939Gly; replaces serine 939 with glycine.
Molecular consequence: missense variant.
Genome position (GRCh38, 1-based): chr18:70,135,254, T>C on the plus strand (A>G on the coding strand, the complement: RTTN is on the minus strand). VCF-style: chr18-70135254-T-C. GRCh37 (hg19) VCF-style: chr18-67802490-T-C.
Other names: c.79A>G, p.Ser27Gly (NM_001318520.2); short protein forms S939G, S27G.
Identifiers: ClinVar variation 387424 (VCV000387424.14), dbSNP rs114399480, ClinGen allele CA8995753.